The following is an entry in ClinVar:

ClinVar aggregate classification (germline): Uncertain significance. Review status: criteria provided, multiple submitters, no conflicts (2 of 4 stars). 3 submissions from 3 submitters: Uncertain significance (3). Last evaluated 2022-07-24.

Conditions:
Leigh syndrome (NULS). Also called: Leigh Disease; Subacute necrotizing encephalopathy; Necrotizing encephalopathy infantile subacute of Leigh; Leigh's necrotizing encephalopathy; Leigh's disease; Leigh's syndrome. Identifiers: Orphanet 506, MedGen C2931891, MONDO:0009723, OMIM 256000.

Allele frequency attached by ClinVar (database versions not stated): gnomAD 0.00002; ESP Exome Variant Server 0.00015.
gnomAD v4.1: 44 of 1,614,056 alleles (0.0027%); highest among the groups gnomAD compares: Admixed American, 0.005%; no homozygotes.

Submissions (3):

Labcorp Genetics (formerly Invitae), Labcorp
Classification: Uncertain significance for Leigh syndrome. Last evaluated: 2022-07-24. Review status: criteria provided, single submitter. Criteria: Invitae Variant Classification Sherloc (09022015). Collection method: clinical testing. Allele origin: germline.
Comment: This sequence change replaces proline, which is neutral and non-polar, with alanine, which is neutral and non-polar, at codon 215 of the SURF1 protein (p.Pro215Ala). This variant is present in population databases (rs147165855, gnomAD 0.004%). This variant has not been reported in the literature in individuals affected with SURF1-related conditions. ClinVar contains an entry for this variant (Variation ID: 365527). Algorithms developed to predict the effect of missense changes on protein structure and function (SIFT, PolyPhen-2, Align-GVGD) all suggest that this variant is likely to be tolerated. In summary, the available evidence is currently insufficient to determine the role of this variant in disease. Therefore, it has been classified as a Variant of Uncertain Significance.

Illumina Laboratory Services, Illumina
Classification: Uncertain significance for Leigh syndrome. Last evaluated: 2018-01-13. Review status: criteria provided, single submitter. Criteria: ICSL Variant Classification Criteria 13 December 2019. Collection method: clinical testing. Allele origin: germline.

Breakthrough Genomics
Classification: Uncertain significance. Review status: criteria provided, single submitter. Criteria: ACMG Guidelines, 2015. Collection method: not provided. Allele origin: germline. Inheritance: Autosomal recessive inheritance. Affected: yes.

NM_003172.4(SURF1):c.643C>G (p.Pro215Ala)

Gene: SURF1 (SURF1 cytochrome c oxidase assembly factor; minus strand). Cytogenetic location: 9q34.2.
Variant type: single nucleotide variant.
Coding change: c.643C>G on transcript NM_003172.4 (MANE Select); coding-DNA position 643, C replaced by G.
Protein change: p.Pro215Ala; replaces proline 215 with alanine.
Molecular consequence: missense variant.
Genome position (GRCh38, 1-based): chr9:133,352,554, G>C on the plus strand (C>G on the coding strand, the complement: SURF1 is on the minus strand). VCF-style: chr9-133352554-G-C. GRCh37 (hg19) VCF-style: chr9-136219409-G-C.
Other names: c.316C>G, p.Pro106Ala (NM_001280787.1); short protein forms P215A, P106A.
Identifiers: ClinVar variation 365527 (VCV000365527.9), dbSNP rs147165855, ClinGen allele CA10629367.